The following is an entry in ClinVar:

NM_000531.6(OTC):c.717+8_717+23del

Gene: OTC (ornithine transcarbamylase; plus strand). Cytogenetic location: Xp11.4.
Variant type: Deletion.
Coding change: c.717+8_717+23del on transcript NM_000531.6 (MANE Select); bases 8 to 23 of the intron after coding-DNA position 717, 16 bases deleted (CTTTACATGTAAAGCT).
Molecular consequence: intron variant.
Genome position (GRCh38, 1-based): chrX:38,408,803-38,408,818, CTTTACATGTAAAGCT deleted; deleting any 16 consecutive bases within chrX:38,408,800-38,408,818 gives the same sequence; the c. name uses the placement nearest the transcript's 3' end. VCF-style (leftmost placement, unchanged base first): chrX-38408799-TGCTCTTTACATGTAAA-T. GRCh37 (hg19) VCF-style: chrX-38268052-TGCTCTTTACATGTAAA-T.
Other names: c.717+7_717+22delTCTTTACATGTAAAGC (NM_000531.5).
Identifiers: ClinVar variation 97300 (VCV000097300.2), dbSNP rs111060774, ClinGen allele CA224756.

ClinVar aggregate classification (germline): Pathogenic (0 of 4 stars; one submission).

Submission:

GenMed Metabolism Lab
Classification: Pathogenic. Review status: no assertion criteria provided. Collection method: not provided. Allele origin: unknown.
Comment: Neonatal, Donor splice site error
ClinVar note: Converted during submission from pathogenic to Pathogenic.